The following is an entry in ClinVar:

ClinVar aggregate classification (germline): Uncertain significance (1 of 4 stars; one submission).

Allele frequency attached by ClinVar (database versions not stated): gnomAD exomes below 0.00001; TOPMed 0.00001.
gnomAD v4.1: 1 of 1,613,698 alleles (0.000062%); highest among the groups gnomAD compares: South Asian, 0.0011%; no homozygotes.

Submission:

Labcorp Genetics (formerly Invitae), Labcorp
Classification: Uncertain significance. Last evaluated: 2025-11-24. Review status: criteria provided, single submitter. Criteria: Invitae Variant Classification Sherloc (09022015). Collection method: clinical testing. Allele origin: germline.
Comment: This sequence change replaces aspartic acid, which is acidic and polar, with glycine, which is neutral and non-polar, at codon 847 of the PCDH15 protein (p.Asp847Gly). This variant is not present in population databases (gnomAD no frequency). This missense change has been observed in individual(s) with deafness (internal data). In at least one individual the data is consistent with being in trans (on the opposite chromosome) from a pathogenic variant. ClinVar contains an entry for this variant (Variation ID: 1014905). Invitae Evidence Modeling of protein sequence and biophysical properties (such as structural, functional, and spatial information, amino acid conservation, physicochemical variation, residue mobility, and thermodynamic stability) indicates that this missense variant is not expected to disrupt PCDH15 protein function with a negative predictive value of 95%. In summary, the available evidence is currently insufficient to determine the role of this variant in disease. Therefore, it has been classified as a Variant of Uncertain Significance.

NM_001384140.1(PCDH15):c.2540A>G (p.Asp847Gly)

Gene: PCDH15 (protocadherin related 15; minus strand). Cytogenetic location: 10q21.1.
Variant type: single nucleotide variant.
Coding change: c.2540A>G on transcript NM_001384140.1 (MANE Select); coding-DNA position 2540, A replaced by G.
Protein change: p.Asp847Gly; replaces aspartic acid 847 with glycine.
Molecular consequence: missense variant.
Genome position (GRCh38, 1-based): chr10:54,020,403, T>C on the plus strand (A>G on the coding strand, the complement: PCDH15 is on the minus strand). VCF-style: chr10-54020403-T-C. GRCh37 (hg19) VCF-style: chr10-55780163-T-C.
Other names: c.2474A>G, p.Asp825Gly (NM_001354404.2, NM_001142768.2, NM_001142773.2); c.2561A>G, p.Asp854Gly (NM_001354411.2); c.2540A>G, p.Asp847Gly (NM_001354420.2, NM_001354429.2, NM_001354430.2 and 5 more transcripts); c.2555A>G, p.Asp852Gly (NM_001142763.2, NM_001142771.2); c.2327A>G, p.Asp776Gly (NM_001142765.2); c.2429A>G, p.Asp810Gly (NM_001142767.2); c.2576A>G, p.Asp859Gly (NM_001142769.4); short protein forms D776G, D810G, D825G, D847G, D852G, D854G, D859G.
Identifiers: ClinVar variation 1014905 (VCV001014905.7), dbSNP rs2092879666, ClinGen allele CA376522749.
Genomic context (GRCh38, chr10:54,020,403, plus strand): 5'-AGTGCAAAAAAGTGCTTCACTTCTGGGCTTCTTATCCGGTAAGACACATTTGCTCCAAGG[T>C]CGACATCTTTGGCCTGTAATAAGCAGAAGAATAGTTTTATTAGTGACGTTACCAAAATAA-3'
Protein context (NP_001371069.1, residues 837-857): TILQIEAKDV[Asp847Gly]LGANVSYRIR